The following is an entry in ClinVar:

NM_000137.2(FAH):c.*310T>A

Gene: FAH (fumarylacetoacetate hydrolase; plus strand). Cytogenetic location: 15q25.1.
Variant type: single nucleotide variant.
Coding change: c.*310T>A on transcript NM_000137.2; 310 bases downstream of the stop codon, T replaced by A.
Molecular consequence: 3 prime UTR variant (on NM_001374377.1).
Genome position (GRCh38, 1-based): chr15:80,186,519, T>A. VCF-style: chr15-80186519-T-A. GRCh37 (hg19) VCF-style: chr15-80478861-T-A.
Other names: c.*310T>A (NM_001374377.1, NM_001374380.1).
Identifiers: ClinVar variation 317222 (VCV000317222.8), dbSNP rs75212096, ClinGen allele CA10636603.

ClinVar aggregate classification (germline): Benign. Review status: criteria provided, multiple submitters, no conflicts (2 of 4 stars). 2 submissions from 2 submitters: Benign (2). Last evaluated 2018-01-13.

Conditions:
Tyrosinemia type I (TYRSN1). Also called: Tyrosinemia type 1; Fumarylacetoacetase deficiency; HEPATORENAL TYROSINEMIA; Deficiency of fumarylacetoacetase; FAH DEFICIENCY. Identifiers: Orphanet 882, MedGen C0268490, MONDO:0010161, OMIM 276700. Disease mechanism: loss of function.

Allele frequency attached by ClinVar (database versions not stated): 1000 Genomes Project 30x 0.11243; 1000 Genomes Project 0.11262; TOPMed 0.11419; gnomAD exomes 0.13703; gnomAD 0.12315 and 0.12376.
gnomAD v4.1: 58,842 of 444,748 alleles (13%); highest among the groups gnomAD compares: South Asian, 14%; 4,203 homozygotes.

Submissions (2):

Illumina Laboratory Services, Illumina
Classification: Benign for Tyrosinemia type I. Last evaluated: 2018-01-13. Review status: criteria provided, single submitter. Criteria: ICSL Variant Classification Criteria 13 December 2019. Collection method: clinical testing. Allele origin: germline.
Comment: This variant was observed in the ICSL laboratory as part of a predisposition screen in an ostensibly healthy population. It had not been previously curated by ICSL or reported in the Human Gene Mutation Database (HGMD: prior to June 1st, 2018), and was therefore a candidate for classification through an automated scoring system. Utilizing variant allele frequency, disease prevalence and penetrance estimates, and inheritance mode, an automated score was calculated to assess if this variant is too frequent to cause the disease. Based on the score and internal cut-off values, a variant classified as benign is not then subjected to further curation. The score for this variant resulted in a classification of benign for this disease.

Breakthrough Genomics
Classification: Benign. Review status: criteria provided, single submitter. Criteria: ACMG Guidelines, 2015. Collection method: not provided. Allele origin: germline. Inheritance: Autosomal recessive inheritance. Affected: yes.